The following is an entry in ClinVar:

NM_001277058.2(ERCC6):c.2740C>G (p.Gln914Glu)

Genes: ERCC6 (ERCC excision repair 6, chromatin remodeling factor; minus strand), PGBD3 (piggyBac transposable element derived 3; minus strand). Cytogenetic location: 10q11.23.
Variant type: single nucleotide variant.
Coding change: c.2740C>G on transcript NM_001277058.2 (MANE Plus Clinical); coding-DNA position 2740, C replaced by G.
Protein change: p.Gln914Glu; replaces glutamine 914 with glutamic acid.
Molecular consequence: missense variant. On other transcripts: intron variant (2).
Genome position (GRCh38, 1-based): chr10:49,515,779, G>C on the plus strand (C>G on the coding strand, the complement: ERCC6 is on the minus strand). VCF-style: chr10-49515779-G-C. GRCh37 (hg19) VCF-style: chr10-50723825-G-C.
Other names: c.1397+8254C>G (NM_001346440.2, NM_000124.4); c.2740C>G, p.Gln914Glu (NM_001277059.2); c.1336C>G, p.Gln446Glu (NM_170753.3); short protein forms Q446E, Q914E.
Identifiers: ClinVar variation 3234260 (VCV003234260.21), dbSNP rs11101143, ClinGen allele CA5496091.
Genomic context (GRCh38, chr10:49,515,779, plus strand): 5'-CTCTGTCTACGCCTCCCATGAACTGGTTATACACTTTGATCATGTTTGGCTGCTGAACTT[G>C]TATCTTCTTTTTCAGTTTCTGGGAGTAACGACTGACAAGACACAGGGGATGGATACCAGC-3'
Protein context (NP_001263987.1, residues 904-924): RYSQKLKKKI[Gln914Glu]VQQPNMIKVY

ClinVar aggregate classification (germline): Likely benign. Review status: criteria provided, multiple submitters, no conflicts (2 of 4 stars). 2 submissions from 2 submitters: Likely benign (2). Last evaluated 2026-10-01.

Allele frequency attached by ClinVar (database versions not stated): ExAC 0.00126; ESP Exome Variant Server 0.00408; 1000 Genomes Project 0.00439; 1000 Genomes Project 30x 0.00484.
gnomAD v4.1: 1,057 of 1,614,134 alleles (0.065%); highest among the groups gnomAD compares: African/African-American, 1.2%; 5 homozygotes.

Submissions (2):

CeGaT Center for Human Genetics Tuebingen
Classification: Likely benign. Last evaluated: 2026-10-01. Review status: criteria provided, single submitter. Criteria: CeGaT Center For Human Genetics Tuebingen Variant Classification Criteria Version 2. Collection method: clinical testing. Allele origin: germline. Affected: yes. Observed: 2 variant alleles.
Comment: ERCC6: BP4, BS1; PGBD3: BP4, BS1

Blueprint Genetics
Classification: Likely benign. Last evaluated: 2024-07-18. Review status: criteria provided, single submitter. Criteria: ACMG Guidelines, 2015. Collection method: clinical testing. Allele origin: germline.